The following is an entry in ClinVar:

NM_024529.5(CDC73):c.800A>G (p.Gln267Arg)

Gene: CDC73 (cell division cycle 73; plus strand). Cytogenetic location: 1q31.2.
Variant type: single nucleotide variant.
Coding change: c.800A>G on transcript NM_024529.5 (MANE Select); coding-DNA position 800, A replaced by G.
Protein change: p.Gln267Arg; replaces glutamine 267 with arginine.
Molecular consequence: missense variant.
Genome position (GRCh38, 1-based): chr1:193,147,937, A>G. VCF-style: chr1-193147937-A-G. GRCh37 (hg19) VCF-style: chr1-193117067-A-G.
Other names: short protein forms Q267R.
Identifiers: ClinVar variation 1503472 (VCV001503472.8), dbSNP rs2103130586, ClinGen allele CA343964134.

ClinVar aggregate classification (germline): Uncertain significance (1 of 4 stars; one submission).

Conditions:
Parathyroid carcinoma (PRTC). Also called: CDC73-Related Parathyroid Carcinoma; Parathyroid gland carcinoma. Identifiers: Orphanet 143, MedGen C0687150, MONDO:0012004, OMIM 608266, HP:0006780.

Submission:

Labcorp Genetics (formerly Invitae), Labcorp
Classification: Uncertain significance for Parathyroid carcinoma. Last evaluated: 2020-11-25. Review status: criteria provided, single submitter. Criteria: Invitae Variant Classification Sherloc (09022015). Collection method: clinical testing. Allele origin: germline.
Comment: Algorithms developed to predict the effect of missense changes on protein structure and function (SIFT, PolyPhen-2, Align-GVGD) all suggest that this variant is likely to be tolerated, but these predictions have not been confirmed by published functional studies and their clinical significance is uncertain. In summary, the available evidence is currently insufficient to determine the role of this variant in disease. Therefore, it has been classified as a Variant of Uncertain Significance. This variant has not been reported in the literature in individuals with CDC73-related conditions. This variant is not present in population databases (ExAC no frequency). This sequence change replaces glutamine with arginine at codon 267 of the CDC73 protein (p.Gln267Arg). The glutamine residue is highly conserved and there is a small physicochemical difference between glutamine and arginine.